The following is an entry in ClinVar:

ClinVar aggregate classification (germline): Uncertain significance (1 of 4 stars; one submission).

Submission:

Women's Health and Genetics/Laboratory Corporation of America, LabCorp
Classification: Uncertain significance. Last evaluated: 2025-11-24. Review status: criteria provided, single submitter. Criteria: LabCorp Variant Classification Summary - May 2015. Collection method: clinical testing. Allele origin: germline.
Comment: Variant summary: CHAT c.752G>A (p.Ser251Asn) results in a conservative amino acid change in the encoded protein sequence. Algorithms developed to predict the effect of missense changes on protein structure and function are either unavailable or do not agree on the potential impact of this missense change. Several computational tools predict a significant impact on normal splicing: One predicts the variant abolishes a 5' splicing donor site. Three predict the variant weakens a 5' donor site. However, these predictions have yet to be confirmed by functional studies. The frequency data for this variant in gnomAD is considered unreliable, as metrics indicate poor data quality at this position. To our knowledge, no occurrence of c.752G>A in individuals affected with CHAT-related conditions and no experimental evidence demonstrating its impact on protein function have been reported. No submitters have cited clinical-significance assessments for this variant to ClinVar. Based on the evidence outlined above, the variant was classified as uncertain significance.

NM_020549.5(CHAT):c.752G>A (p.Ser251Asn)

Gene: CHAT (choline O-acetyltransferase; plus strand). Cytogenetic location: 10q11.23.
Variant type: single nucleotide variant.
Coding change: c.752G>A on transcript NM_020549.5 (MANE Select); coding-DNA position 752, G replaced by A.
Protein change: p.Ser251Asn; replaces serine 251 with asparagine.
Molecular consequence: missense variant.
Genome position (GRCh38, 1-based): chr10:49,622,150, G>A. VCF-style: chr10-49622150-G-A. GRCh37 (hg19) VCF-style: chr10-50830196-G-A.
Other names: c.398G>A, p.Ser133Asn (NM_001142929.2, NM_001142934.2, NM_020984.4 and 2 more transcripts); c.506G>A, p.Ser169Asn (NM_001142933.2); short protein forms S133N, S169N, S251N.
Identifiers: ClinVar variation 4537246 (VCV004537246.1).